The following is an entry in ClinVar:

ClinVar aggregate classification (germline): Uncertain significance (1 of 4 stars; one submission).

Conditions:
Inborn genetic diseases. Identifiers: MedGen C0950123, MeSH D030342.

Submission:

Ambry Genetics
Classification: Uncertain significance for Inborn genetic diseases. Last evaluated: 2022-12-01. Review status: criteria provided, single submitter. Criteria: Ambry Variant Classification Scheme 2023. Collection method: clinical testing. Allele origin: germline.
Comment: The c.2278C>A (p.L760I) alteration is located in exon 9 (coding exon 7) of the ZNF711 gene. This alteration results from a C to A substitution at nucleotide position 2278, causing the leucine (L) at amino acid position 760 to be replaced by an isoleucine (I). This alteration is predicted to be tolerated by in silico analysis. Based on insufficient or conflicting evidence, the clinical significance of this alteration remains unclear.

NM_001330574.2(ZNF711):c.2416C>A (p.Leu806Ile)

Gene: ZNF711 (zinc finger protein 711; plus strand). Cytogenetic location: Xq21.1.
Variant type: single nucleotide variant.
Coding change: c.2416C>A on transcript NM_001330574.2 (MANE Select); coding-DNA position 2416, C replaced by A.
Protein change: p.Leu806Ile; replaces leucine 806 with isoleucine.
Molecular consequence: missense variant.
Genome position (GRCh38, 1-based): chrX:85,271,820, C>A. VCF-style: chrX-85271820-C-A. GRCh37 (hg19) VCF-style: chrX-84526826-C-A.
Other names: c.2416C>A, p.Leu806Ile (NM_001375431.1, NM_001375432.1, NM_001375433.1); c.2278C>A, p.Leu760Ile (NM_001375434.1, NM_001375435.1, NM_001375436.1 and 2 more transcripts); short protein forms L806I, L760I.
Identifiers: ClinVar variation 2325050 (VCV002325050.2), dbSNP rs2147877828, ClinGen allele CA413778609.